The following is an entry in ClinVar:

NM_000051.4(ATM):c.5674G>A (p.Glu1892Lys)

Gene: ATM (ATM serine/threonine kinase; plus strand). Cytogenetic location: 11q22.3.
Variant type: single nucleotide variant.
Coding change: c.5674G>A on transcript NM_000051.4 (MANE Select); coding-DNA position 5674, G replaced by A.
Protein change: p.Glu1892Lys; replaces glutamic acid 1892 with lysine.
Molecular consequence: missense variant.
Genome position (GRCh38, 1-based): chr11:108,304,852, G>A. VCF-style: chr11-108304852-G-A. GRCh37 (hg19) VCF-style: chr11-108175579-G-A.
Other names: p.E1892K:GAG>AAG; c.5674G>A, p.Glu1892Lys (NM_001351834.2); short protein forms E1892K.
Identifiers: ClinVar variation 181969 (VCV000181969.29), dbSNP rs730881375, ClinGen allele CA298281.

ClinVar aggregate classification (germline): Uncertain significance. Review status: criteria provided, multiple submitters, no conflicts (2 of 4 stars). 7 submissions from 7 submitters: Uncertain significance (6). 1 of the submissions does not count toward it. Last evaluated 2026-01-02.

Conditions:
Hereditary cancer-predisposing syndrome. Also called: Tumor predisposition; Hereditary Cancer Syndrome; Hereditary neoplastic syndrome; Neoplastic Syndromes, Hereditary. Identifiers: Orphanet 140162, MedGen C0027672, MeSH D009386, MONDO:0015356.
Familial cancer of breast. Also called: BREAST CANCER, FAMILIAL; hereditary breast carcinoma; Hereditary breast cancer. Identifiers: Orphanet 227535, MedGen C0346153, MONDO:0016419, OMIM 114480. Disease mechanism: loss of function.
Ataxia-telangiectasia syndrome (AT). Also called: LOUIS-BAR SYNDROME; Cerebello-oculocutaneous telangiectasia; Immunodeficiency with ataxia telangiectasia; ATAXIA-TELANGIECTASIA, COMPLEMENTATION GROUP A; ATAXIA-TELANGIECTASIA, FRESNO VARIANT; Ataxia-telangiectasia. Identifiers: Orphanet 100, MedGen C0004135, MONDO:0008840, OMIM 208900.

Allele frequency attached by ClinVar (database versions not stated): gnomAD exomes 0.00001 and 0.00002; ExAC 0.00002; TOPMed 0.00002.
gnomAD v4.1: 5 of 1,613,654 alleles (0.00031%); highest among the groups gnomAD compares: Admixed American, 0.0083%; no homozygotes.

Submissions (7):

Labcorp Genetics (formerly Invitae), Labcorp
Classification: Uncertain significance for Ataxia-telangiectasia syndrome. Last evaluated: 2026-01-02. Review status: criteria provided, single submitter. Criteria: Invitae Variant Classification Sherloc (09022015). Collection method: clinical testing. Allele origin: germline.
Comment: This sequence change replaces glutamic acid, which is acidic and polar, with lysine, which is basic and polar, at codon 1892 of the ATM protein (p.Glu1892Lys). This variant also falls at the last nucleotide of exon 37, which is part of the consensus splice site for this exon. This variant is present in population databases (rs730881375, gnomAD 0.01%). This variant has not been reported in the literature in individuals affected with ATM-related conditions. ClinVar contains an entry for this variant (Variation ID: 181969). An algorithm developed to predict the effect of missense changes on protein structure and function (PolyPhen-2) suggests that this variant is likely to be tolerated. Variants that disrupt the consensus splice site are a relatively common cause of aberrant splicing (PMID: 17576681, 9536098). RNA analysis performed to evaluate the impact of this missense change on mRNA splicing indicates it does not significantly alter splicing (internal data). In summary, the available evidence is currently insufficient to determine the role of this variant in disease. Therefore, it has been classified as a Variant of Uncertain Significance.

Ambry Genetics
Classification: Uncertain significance for Hereditary cancer-predisposing syndrome. Last evaluated: 2024-10-16. Review status: criteria provided, single submitter. Criteria: Ambry Variant Classification Scheme 2023. Collection method: clinical testing. Allele origin: germline.
Comment: The p.E1892K variant (also known as c.5674G>A), located in coding exon 36 of the ATM gene, results from a G to A substitution at nucleotide position 5674. The amino acid change results in glutamic acid to lysine at codon 1892, an amino acid with similar properties. However, this change occurs in the last base pair of coding exon 36, which makes it likely to have some effect on normal mRNA splicing. This alteration was detected in a cohort of 1663 Brazilian breast cancer patients who underwent hereditary multigene panel testing (Guindalini RSC et al. Sci Rep, 2022 Mar;12:4190). This nucleotide position is highly conserved in available vertebrate species. In silico splice site analysis for this alteration is inconclusive and direct evidence is insufficient at this time (Ambry internal data). This amino acid position is not well conserved in available vertebrate species. In addition, as a missense substitution this is predicted to be tolerated by in silico analysis. Based on the available evidence, the clinical significance of this variant remains unclear.

Baylor Genetics
Classification: Uncertain significance for Familial cancer of breast. Last evaluated: 2024-03-20. Review status: criteria provided, single submitter. Criteria: ACMG Guidelines, 2015. Collection method: clinical testing. Allele origin: unknown.

Color Diagnostics, LLC DBA Color Health
Classification: Uncertain significance for Hereditary cancer-predisposing syndrome. Last evaluated: 2023-09-01. Review status: criteria provided, single submitter. Criteria: ACMG Guidelines, 2015. Collection method: clinical testing. Allele origin: germline.
Comment: This variant causes a G to A nucleotide substitution at the last nucleotide position of exon 37 of the ATM gene and replaces glutamic acid with lysine at codon 1892 of the ATM protein. Computational prediction suggests that this variant may not impact protein structure and function (internally defined REVEL score threshold <= 0.5, PMID: 27666373). Splice site prediction tools suggest that this variant may have a significant impact on RNA splicing, although this prediction has not been confirmed in published RNA studies. To our knowledge, this variant has not been reported in individuals affected with hereditary cancer in the literature. This variant has been identified in 5/249836 chromosomes in the general population by the Genome Aggregation Database (gnomAD). The available evidence is insufficient to determine the role of this variant in disease conclusively. Therefore, this variant is classified as a Variant of Uncertain Significance.

Sema4
Classification: Uncertain significance for Hereditary cancer-predisposing syndrome. Last evaluated: 2021-11-30. Review status: criteria provided, single submitter. Criteria: Sema4 Curation Guidelines. Collection method: curation. Allele origin: germline.
Comment: To the best of our knowledge, the ATM c.5674G>A (p.E1892K) variant has not been reported in individuals with ATM-related disease. It was observed in 5/34504 chromosomes of the Latino subpopulation in the large and broad cohorts of the Genome Aggregation Database (PMID: 32461654). The variant has been reported in ClinVar (Variation ID: 181969). In silico predictions of the variant's effect on protein function are inconclusive. This variant is present at the last nucleotide of exon 37 and splice site prediction tools suggest the variant may disrupt normal splicing, however these predictions have not been confirmed by transcriptional studies. The evidence is insufficient to meet ACMG/AMP criteria for classifying the variant as benign or pathogenic. Thus, the clinical significance of this variant is currently uncertain.

GeneDx
Classification: Uncertain significance. Last evaluated: 2019-03-13. Review status: criteria provided, single submitter. Criteria: GeneDx Variant Classification Process June 2021. Collection method: clinical testing. Allele origin: germline. Affected: yes.
Comment: Not observed at a significant frequency in large population cohorts (Lek 2016); While protein-based in silico analysis supports that this variant does not alter protein structure/function, splice predictors suggest this variant may impact gene splicing. In the absence of RNA or functional studies, the actual effect of this sequence change is unknown.; Has not been previously published as pathogenic or benign to our knowledge

Natera, Inc.
Classification: Uncertain significance for Ataxia-telangiectasia. Last evaluated: 2020-02-21. Review status: no assertion criteria provided. Collection method: clinical testing. Allele origin: germline. Not counted in ClinVar's aggregate classification.

Literature cited by the submitters: PubMed 17576681 (cited by Labcorp Genetics (formerly Invitae), Labcorp); PubMed 9536098 (cited by Labcorp Genetics (formerly Invitae), Labcorp); PubMed 31206626 (cited by Ambry Genetics); PubMed 35264596 (cited by Ambry Genetics).